The following is an entry in ClinVar:

NM_000138.5(FBN1):c.4301G>A (p.Gly1434Asp)

Genes: FBN1 (fibrillin 1; minus strand), LOC126862124 (CDK7 strongly-dependent group 2 enhancer GRCh37_chr15:48764566-48765765; plus strand). Cytogenetic location: 15q21.1.
Variant type: single nucleotide variant.
Coding change: c.4301G>A on transcript NM_000138.5 (MANE Select); coding-DNA position 4301, G replaced by A.
Protein change: p.Gly1434Asp; replaces glycine 1434 with aspartic acid.
Molecular consequence: missense variant.
Genome position (GRCh38, 1-based): chr15:48,472,586, C>T on the plus strand (G>A on the coding strand, the complement: FBN1 is on the minus strand). VCF-style: chr15-48472586-C-T. GRCh37 (hg19) VCF-style: chr15-48764783-C-T.
Other names: c.4301G>A, p.Gly1434Asp (NM_001406716.1); short protein forms G1434D.
Identifiers: ClinVar variation 5020563 (VCV005020563.1).

ClinVar aggregate classification (germline): Uncertain significance (1 of 4 stars; one submission).

Submission:

Dasa
Classification: Uncertain significance. Last evaluated: 2026-05-15. Review status: criteria provided, single submitter. Criteria: DASA Assertion Criteria. Collection method: clinical testing. Allele origin: germline.
Comment: NM_000138.5(FBN1):c.4301G>A (p.Gly1434Asp) is a missense variant that results in the substitution of glycine with aspartic acid. This variant is rare in population databases. Computational prediction algorithms are consistent with a deleterious effect. The currently available literature and clinical evidence are not sufficient to establish a definitive association between this variant and the reported condition. Therefore, this variant is classified as a variant of uncertain significance.